The following is an entry in ClinVar:

ClinVar aggregate classification (germline): Uncertain significance (1 of 4 stars; one submission).

Conditions:
Inborn genetic diseases. Identifiers: MedGen C0950123, MeSH D030342.

Allele frequency attached by ClinVar (database versions not stated): gnomAD exomes 0.00001.

Submission:

Ambry Genetics
Classification: Uncertain significance for Inborn genetic diseases. Last evaluated: 2024-05-25. Review status: criteria provided, single submitter. Criteria: Ambry Variant Classification Scheme 2023. Collection method: clinical testing. Allele origin: germline.
Comment: The p.H241Y variant (also known as c.721C>T), located in coding exon 6 of the ACD gene, results from a C to T substitution at nucleotide position 721. The histidine at codon 241 is replaced by tyrosine, an amino acid with similar properties. This amino acid position is conserved. In addition, this alteration is predicted to be tolerated by in silico analysis. Since supporting evidence is limited at this time, the clinical significance of this alteration remains unclear.

NM_001082486.2(ACD):c.463C>T (p.His155Tyr)

Gene: ACD (ACD shelterin complex subunit and telomerase recruitment factor; minus strand). Cytogenetic location: 16q22.1.
Variant type: single nucleotide variant.
Coding change: c.463C>T on transcript NM_001082486.2 (MANE Select); coding-DNA position 463, C replaced by T.
Protein change: p.His155Tyr; replaces histidine 155 with tyrosine.
Molecular consequence: missense variant.
Genome position (GRCh38, 1-based): chr16:67,659,259, G>A on the plus strand (C>T on the coding strand, the complement: ACD is on the minus strand). VCF-style: chr16-67659259-G-A. GRCh37 (hg19) VCF-style: chr16-67693162-G-A.
Other names: c.463C>T, p.His155Tyr (NM_001410884.1); c.454C>T, p.His152Tyr (NM_022914.3); short protein forms H155Y, H152Y.
Identifiers: ClinVar variation 1757761 (VCV001757761.3), dbSNP rs2543605597, ClinGen allele CA396354653.